The following is an entry in ClinVar:

NM_023037.3(FRY):c.3958G>A (p.Ala1320Thr)

Gene: FRY (FRY microtubule binding protein; plus strand). Cytogenetic location: 13q13.1.
Variant type: single nucleotide variant.
Coding change: c.3958G>A on transcript NM_023037.3 (MANE Select); coding-DNA position 3958, G replaced by A.
Protein change: p.Ala1320Thr; replaces alanine 1320 with threonine.
Molecular consequence: missense variant.
Genome position (GRCh38, 1-based): chr13:32,202,467, G>A. VCF-style: chr13-32202467-G-A. GRCh37 (hg19) VCF-style: chr13-32776604-G-A.
Other names: short protein forms A1320T.
Identifiers: ClinVar variation 770420 (VCV000770420.29), dbSNP rs138780336, ClinGen allele CA6938775.

ClinVar aggregate classification (germline): Benign/Likely benign. Review status: criteria provided, multiple submitters, no conflicts (2 of 4 stars). 3 submissions from 3 submitters: Benign (2); Likely benign (1). Last evaluated 2024-02-01.

Allele frequency attached by ClinVar (database versions not stated): 1000 Genomes Project 30x 0.00172; 1000 Genomes Project 0.00200; TOPMed 0.00511; ESP Exome Variant Server 0.00625; gnomAD 0.00831 and 0.00884; ExAC 0.00862; gnomAD exomes 0.00932 and 0.00963.
gnomAD v4.1: 15,338 of 1,613,724 alleles (0.95%); highest among the groups gnomAD compares: Non-Finnish European, 0.97%; 122 homozygotes.

Submissions (3):

CeGaT Center for Human Genetics Tuebingen
Classification: Likely benign. Last evaluated: 2024-02-01. Review status: criteria provided, single submitter. Criteria: CeGaT Center For Human Genetics Tuebingen Variant Classification Criteria Version 2. Collection method: clinical testing. Allele origin: germline. Affected: yes. Observed: 5 variant alleles.
Comment: FRY: BP4, BS2

Labcorp Genetics (formerly Invitae), Labcorp
Classification: Benign. Last evaluated: 2019-12-31. Review status: criteria provided, single submitter. Criteria: Invitae Variant Classification Sherloc (09022015). Collection method: clinical testing. Allele origin: germline.

Breakthrough Genomics
Classification: Benign. Review status: criteria provided, single submitter. Criteria: ACMG Guidelines, 2015. Collection method: not provided. Allele origin: germline. Inheritance: Unknown mechanism. Affected: yes.